The following is an entry in ClinVar:

NM_001040716.2(PC):c.2401A>T (p.Met801Leu)

Gene: PC (pyruvate carboxylase; minus strand). Cytogenetic location: 11q13.2.
Variant type: single nucleotide variant.
Coding change: c.2401A>T on transcript NM_001040716.2 (MANE Select); coding-DNA position 2401, A replaced by T.
Protein change: p.Met801Leu; replaces methionine 801 with leucine.
Molecular consequence: missense variant.
Genome position (GRCh38, 1-based): chr11:66,850,746, T>A on the plus strand (A>T on the coding strand, the complement: PC is on the minus strand). VCF-style: chr11-66850746-T-A. GRCh37 (hg19) VCF-style: chr11-66618217-T-A.
Other names: c.2401A>T, p.Met801Leu (NM_000920.4, NM_022172.3); short protein forms M801L.
Identifiers: ClinVar variation 2483311 (VCV002483311.3), dbSNP rs980024367, ClinGen allele CA381493060.

ClinVar aggregate classification (germline): Uncertain significance. Review status: criteria provided, multiple submitters, no conflicts (2 of 4 stars). 2 submissions from 2 submitters: Uncertain significance (2). Last evaluated 2024-10-30.

Conditions:
Inborn genetic diseases. Identifiers: MedGen C0950123, MeSH D030342.

gnomAD v4.1: 1 of 1,611,262 alleles (0.000062%); highest among the groups gnomAD compares: African/African-American, 0.0013%; no homozygotes.

Submissions (2):

GeneDx
Classification: Uncertain significance. Last evaluated: 2024-10-30. Review status: criteria provided, single submitter. Criteria: GeneDx Variant Classification Process June 2021. Collection method: clinical testing. Allele origin: germline. Affected: yes.
Comment: Not observed at significant frequency in large population cohorts (gnomAD); In silico analysis supports that this missense variant has a deleterious effect on protein structure/function; Has not been previously published as pathogenic or benign to our knowledge

Ambry Genetics
Classification: Uncertain significance for Inborn genetic diseases. Last evaluated: 2023-02-14. Review status: criteria provided, single submitter. Criteria: Ambry Variant Classification Scheme 2023. Collection method: clinical testing. Allele origin: germline.